The following is an entry in ClinVar:

NM_001195518.2(MICU1):c.1378A>G (p.Met460Val)

Gene: MICU1 (mitochondrial calcium uptake 1; minus strand). Cytogenetic location: 10q22.1.
Variant type: single nucleotide variant.
Coding change: c.1378A>G on transcript NM_001195518.2 (MANE Select); coding-DNA position 1378, A replaced by G.
Protein change: p.Met460Val; replaces methionine 460 with valine.
Molecular consequence: missense variant.
Genome position (GRCh38, 1-based): chr10:72,368,248, T>C on the plus strand (A>G on the coding strand, the complement: MICU1 is on the minus strand). VCF-style: chr10-72368248-T-C. GRCh37 (hg19) VCF-style: chr10-74128006-T-C.
Other names: c.784A>G, p.Met262Val (NM_001195519.2); c.1396A>G, p.Met466Val (NM_001363513.2); c.1384A>G, p.Met462Val (NM_006077.4); short protein forms M462V, M466V, M460V, M262V.
Identifiers: ClinVar variation 2021359 (VCV002021359.4), dbSNP rs747343780, ClinGen allele CA5549984.

ClinVar aggregate classification (germline): Uncertain significance (1 of 4 stars; one submission).

Allele frequency attached by ClinVar (database versions not stated): gnomAD 0.00001; gnomAD exomes 0.00001; ExAC 0.00002; TOPMed 0.00002.
gnomAD v4.1: 8 of 1,613,848 alleles (0.0005%); highest among the groups gnomAD compares: Admixed American, 0.005%; no homozygotes.

Submission:

Labcorp Genetics (formerly Invitae), Labcorp
Classification: Uncertain significance. Last evaluated: 2024-05-07. Review status: criteria provided, single submitter. Criteria: Invitae Variant Classification Sherloc (09022015). Collection method: clinical testing. Allele origin: germline.
Comment: This sequence change replaces methionine, which is neutral and non-polar, with valine, which is neutral and non-polar, at codon 462 of the MICU1 protein (p.Met462Val). This variant is present in population databases (rs747343780, gnomAD 0.006%). This variant has not been reported in the literature in individuals affected with MICU1-related conditions. ClinVar contains an entry for this variant (Variation ID: 2021359). Advanced modeling of protein sequence and biophysical properties (such as structural, functional, and spatial information, amino acid conservation, physicochemical variation, residue mobility, and thermodynamic stability) performed at Invitae indicates that this missense variant is not expected to disrupt MICU1 protein function with a negative predictive value of 80%. In summary, the available evidence is currently insufficient to determine the role of this variant in disease. Therefore, it has been classified as a Variant of Uncertain Significance.